The following is an entry in ClinVar:

NM_015102.5(NPHP4):c.2011C>T (p.Gln671Ter)

Gene: NPHP4 (nephrocystin 4; minus strand). Cytogenetic location: 1p36.31.
Variant type: single nucleotide variant.
Coding change: c.2011C>T on transcript NM_015102.5 (MANE Select); coding-DNA position 2011, C replaced by T.
Protein change: p.Gln671Ter; replaces glutamine 671 with a stop codon.
Molecular consequence: nonsense. On other transcripts: non-coding transcript variant (1).
Genome position (GRCh38, 1-based): chr1:5,904,749, G>A on the plus strand (C>T on the coding strand, the complement: NPHP4 is on the minus strand). VCF-style: chr1-5904749-G-A. GRCh37 (hg19) VCF-style: chr1-5964809-G-A.
Other names: c.2011C>T (NM_015102.4); c.472C>T, p.Gln158Ter (NM_001291593.2); c.475C>T, p.Gln159Ter (NM_001291594.2); short protein forms Q671*, Q159*, Q158*.
Identifiers: ClinVar variation 498434 (VCV000498434.19), dbSNP rs1025515771, ClinGen allele CA17124406.

ClinVar aggregate classification (germline): Pathogenic/Likely pathogenic. Review status: criteria provided, multiple submitters, no conflicts (2 of 4 stars). 5 submissions from 5 submitters: Pathogenic (4); Likely pathogenic (1). Last evaluated 2025-09-12.

Conditions:
NPHP4-related disorder. Also called: NPHP4-related disorders; NPHP4-related condition. Identifiers: MedGen CN239384.
Nephronophthisis. Also called: Juvenile Nephronophthisis. Identifiers: Orphanet 655, MedGen C0687120, MONDO:0019005, HP:0000090.
Senior-Loken syndrome 4 (SLSN4). Identifiers: Orphanet 3156, MedGen C1846979, MONDO:0011756, OMIM 606996.
Nephronophthisis 4 (NPHP4). Also called: NEPHRONOPHTHISIS 4, JUVENILE. Identifiers: Orphanet 655, MedGen C1847013, MONDO:0011752, OMIM 606966.

Allele frequency attached by ClinVar (database versions not stated): gnomAD exomes below 0.00001; gnomAD 0.00001; TOPMed 0.00002.
gnomAD v4.1: 3 of 1,613,868 alleles (0.00019%); highest among the groups gnomAD compares: African/African-American, 0.0013%; no homozygotes.

Submissions (5):

PreventionGenetics, part of Exact Sciences
Classification: Pathogenic for NPHP4-related condition. Last evaluated: 2025-09-12. Review status: criteria provided, single submitter. Criteria: ACMG Guidelines, 2015. Collection method: clinical testing. Allele origin: germline.
Comment: The NPHP4 c.2011C>T variant is predicted to result in premature protein termination (p.Gln671*). This variant was reported in individuals with autosomal recessive NPHP4-related disorders (Halbritter et al. 2013. PubMed ID: 23559409; Table S2, König et al. 2022. PubMed ID: 36090483). This variant has not been reported in a large population database, indicating this variant is rare. Nonsense variants in NPHP4 are expected to be pathogenic. This variant is interpreted as pathogenic.

Labcorp Genetics (formerly Invitae), Labcorp
Classification: Pathogenic for Nephronophthisis. Last evaluated: 2024-11-20. Review status: criteria provided, single submitter. Criteria: Invitae Variant Classification Sherloc (09022015). Collection method: clinical testing. Allele origin: germline.
Comment: This sequence change creates a premature translational stop signal (p.Gln671*) in the NPHP4 gene. It is expected to result in an absent or disrupted protein product. Loss-of-function variants in NPHP4 are known to be pathogenic (PMID: 12205563, 23559409). This variant is not present in population databases (gnomAD no frequency). This premature translational stop signal has been observed in individual(s) with a nephronophthisis-related ciliopathy (PMID: 23559409). ClinVar contains an entry for this variant (Variation ID: 498434). For these reasons, this variant has been classified as Pathogenic.

Fulgent Genetics
Classification: Pathogenic for Nephronophthisis 4; Senior-Loken syndrome 4. Last evaluated: 2024-05-31. Review status: criteria provided, single submitter. Criteria: ACMG Guidelines, 2015. Collection method: clinical testing. Allele origin: germline.

Blueprint Genetics
Classification: Likely pathogenic for NPHP4-related disorders. Last evaluated: 2022-02-18. Review status: criteria provided, single submitter. Criteria: ACMG Guidelines, 2015. Collection method: clinical testing. Allele origin: germline. Affected: yes. Observed: 2 variant alleles.

Eurofins Ntd Llc (ga)
Classification: Pathogenic. Last evaluated: 2016-11-09. Review status: criteria provided, single submitter. Criteria: EGL Classification Definitions 2015. Collection method: clinical testing. Allele origin: germline. Observed: 1 variant allele, 1 heterozygote.

Literature cited by the submitters: PubMed 12205563 (cited by Labcorp Genetics (formerly Invitae), Labcorp); PubMed 23559409 (cited by Labcorp Genetics (formerly Invitae), Labcorp).